The following is an entry in ClinVar:

NM_001384140.1(PCDH15):c.705+1G>A

Gene: PCDH15 (protocadherin related 15; minus strand). Cytogenetic location: 10q21.1.
Variant type: single nucleotide variant.
Coding change: c.705+1G>A on transcript NM_001384140.1 (MANE Select); the canonical splice donor site of the intron after coding-DNA position 705, G replaced by A.
Molecular consequence: splice donor variant. On other transcripts: intron variant (1).
Genome position (GRCh38, 1-based): chr10:54,329,595, C>T on the plus strand (G>A on the coding strand, the complement: PCDH15 is on the minus strand). VCF-style: chr10-54329595-C-T. GRCh37 (hg19) VCF-style: chr10-56089355-C-T.
Other names: c.705+1G>A (NM_001354420.2, NM_001354429.2, NM_001142772.2 and 7 more transcripts); c.720+1G>A (NM_001142771.2, NM_001142769.3, NM_001142763.2); c.639+1G>A (NM_001354404.2, NM_001142773.2, NM_001142768.2); c.595-12154G>A (NM_001142767.2).
Identifiers: ClinVar variation 553216 (VCV000553216.3), dbSNP rs1554903842, ClinGen allele CA376541115.

ClinVar aggregate classification (germline): Pathogenic. Review status: criteria provided, single submitter (1 of 4 stars). 2 submissions from 2 submitters: Pathogenic (1). 1 of the submissions does not count toward it. Last evaluated 2025-01-15.

Conditions:
Usher syndrome type 1F (USH1F). Also called: USHER SYNDROME, TYPE IF. Identifiers: Orphanet 231169, Orphanet 886, MedGen C1865885, MONDO:0011186, OMIM 602083.

Submissions (2):

Myriad Genetics, Inc.
Classification: Pathogenic for Usher syndrome type 1F. Last evaluated: 2025-01-15. Review status: criteria provided, single submitter. Criteria: Myriad Autosomal Dominant, Autosomal Recessive and X-Linked Classification Criteria (2023). Collection method: clinical testing. Allele origin: unknown.
Comment: NM_033056.3(PCDH15):c.705+1G>A is a variant in a canonical splice site classified as pathogenic in the context of PCDH15-related disorders. c.705+1G>A has been observed in a case with relevant disease (PMID: 36729443). Relevant functional assessments of this variant are not available in the literature. Internal structural analysis of the variant is supportive of pathogenicity. c.705+1G>A has not been observed in referenced population frequency databases. In summary, NM_033056.3(PCDH15):c.705+1G>A is a variant in a canonical splice site that has internal structural support for pathogenicity and has been observed more frequently in cases with the relevant disease than in healthy populations. Please note: this variant was assessed in the context of healthy population screening.

Counsyl
Classification: Likely pathogenic for Usher syndrome type 1F. Last evaluated: 2017-08-08. Review status: no assertion criteria provided. Collection method: clinical testing. Allele origin: unknown. Not counted in ClinVar's aggregate classification.

Literature cited by the submitters: PubMed 36729443 (cited by Myriad Genetics, Inc.).